The following is an entry in ClinVar:

ClinVar aggregate classification (germline): Benign/Likely benign. Review status: criteria provided, multiple submitters, no conflicts (2 of 4 stars). 3 submissions from 3 submitters: Benign (1); Likely benign (2). Last evaluated 2026-06-10.

Conditions:
Inborn genetic diseases. Identifiers: MedGen C0950123, MeSH D030342.

Allele frequency attached by ClinVar (database versions not stated): gnomAD 0.00002; TOPMed 0.00002; gnomAD exomes 0.00004 and 0.00006; ExAC 0.00009; 1000 Genomes Project 30x 0.00021; 1000 Genomes Project 0.00026.
gnomAD v4.1: 46 of 1,207,949 alleles (0.0038%); highest among the groups gnomAD compares: South Asian, 0.041%; no homozygotes.

Submissions (3):

Ambry Genetics
Classification: Likely benign for Inborn genetic diseases. Last evaluated: 2026-06-10. Review status: criteria provided, single submitter. Criteria: Ambry Variant Classification Scheme 2023. Collection method: clinical testing. Allele origin: germline.

Labcorp Genetics (formerly Invitae), Labcorp
Classification: Benign. Last evaluated: 2026-01-31. Review status: criteria provided, single submitter. Criteria: Invitae Variant Classification Sherloc (09022015). Collection method: clinical testing. Allele origin: germline.

CeGaT Center for Human Genetics Tuebingen
Classification: Likely benign. Last evaluated: 2024-04-01. Review status: criteria provided, single submitter. Criteria: CeGaT Center For Human Genetics Tuebingen Variant Classification Criteria Version 2. Collection method: clinical testing. Allele origin: germline. Affected: yes. Observed: 2 variant alleles.
Comment: DDX3X: BP4, BP7, BS2

NM_001356.5(DDX3X):c.1095C>T (p.Val365=)

Gene: DDX3X (DEAD-box helicase 3 X-linked; plus strand). Cytogenetic location: Xp11.4.
Variant type: single nucleotide variant.
Coding change: c.1095C>T on transcript NM_001356.5 (MANE Select); coding-DNA position 1095, C replaced by T.
Protein change: p.Val365=; no amino-acid change (valine 365 retained).
Molecular consequence: synonymous variant. On other transcripts: non-coding transcript variant (1).
Genome position (GRCh38, 1-based): chrX:41,345,249, C>T. VCF-style: chrX-41345249-C-T. GRCh37 (hg19) VCF-style: chrX-41204502-C-T.
Other names: c.1095C>T, p.Val365= (NM_001193416.3); c.1047C>T, p.Val349= (NM_001193417.3); c.537C>T, p.Val179= (NM_001363819.1); c.1095C>T (NM_001356.3).
Identifiers: ClinVar variation 1601181 (VCV001601181.40), dbSNP rs546763977, ClinGen allele CA10389583.